The following is an entry in ClinVar:

ClinVar aggregate classification (germline): Uncertain significance (1 of 4 stars; one submission).

Conditions:
Long QT syndrome (LQTS). Identifiers: MedGen C0023976, MeSH D008133, MONDO:0002442. Disease mechanism: loss of function. Inheritance: Various modes of inheritance.

Submission:

Labcorp Genetics (formerly Invitae), Labcorp
Classification: Uncertain significance for Long QT syndrome. Last evaluated: 2024-05-31. Review status: criteria provided, single submitter. Criteria: Invitae Variant Classification Sherloc (09022015). Collection method: clinical testing. Allele origin: germline.
Comment: This sequence change replaces glutamine, which is neutral and polar, with histidine, which is basic and polar, at codon 521 of the KCNQ1 protein (p.Gln521His). This variant is not present in population databases (gnomAD no frequency). This variant has not been reported in the literature in individuals affected with KCNQ1-related conditions. Advanced modeling of protein sequence and biophysical properties (such as structural, functional, and spatial information, amino acid conservation, physicochemical variation, residue mobility, and thermodynamic stability) performed at Invitae indicates that this missense variant is expected to disrupt KCNQ1 protein function with a positive predictive value of 95%. In summary, the available evidence is currently insufficient to determine the role of this variant in disease. Therefore, it has been classified as a Variant of Uncertain Significance.

NM_000218.3(KCNQ1):c.1563G>C (p.Gln521His)

Gene: KCNQ1 (potassium voltage-gated channel subfamily Q member 1; plus strand). Cytogenetic location: 11p15.5.
Variant type: single nucleotide variant.
Coding change: c.1563G>C on transcript NM_000218.3 (MANE Select); coding-DNA position 1563, G replaced by C.
Protein change: p.Gln521His; replaces glutamine 521 with histidine.
Molecular consequence: missense variant.
Genome position (GRCh38, 1-based): chr11:2,768,892, G>C. VCF-style: chr11-2768892-G-C. GRCh37 (hg19) VCF-style: chr11-2790122-G-C.
Other names: c.1182G>C, p.Gln394His (NM_181798.2); c.1467G>C, p.Gln489His (NM_001406836.1); c.1293G>C, p.Gln431His (NM_001406837.1); c.1023G>C, p.Gln341His (NM_001406838.1); short protein forms Q341H, Q394H, Q431H, Q489H, Q521H.
Identifiers: ClinVar variation 3621417 (VCV003621417.2).
Genomic context (GRCh38, chr11:2,768,892, plus strand): 5'-TCTCCACTGCAGGCTGCGGGAACACCATCGGGCCACCATTAAGGTCATTCGACGCATGCA[G>C]TACTTTGTGGCCAAGAAGAAATTCCAGGTAAGCCCTGTGCTGAGCCTTCCTGCCCTCAGC-3'
Protein context (NP_000209.2, residues 511-531): RATIKVIRRM[Gln521His]YFVAKKKFQQ